The following is an entry in ClinVar:

ClinVar aggregate classification (germline): Uncertain significance (1 of 4 stars; one submission).

Conditions:
Peutz-Jeghers syndrome (PJS). Also called: POLYPOSIS, HAMARTOMATOUS INTESTINAL; POLYPS-AND-SPOTS SYNDROME; Peutz-Jeghers polyposis; Periorificial lentiginosis syndrome. Identifiers: Orphanet 2869, MedGen C0031269, MeSH D010580, MONDO:0008280, OMIM 175200.

Submission:

Labcorp Genetics (formerly Invitae), Labcorp
Classification: Uncertain significance for Peutz-Jeghers syndrome. Last evaluated: 2023-02-11. Review status: criteria provided, single submitter. Criteria: Invitae Variant Classification Sherloc (09022015). Collection method: clinical testing. Allele origin: germline.
Comment: This sequence change replaces aspartic acid, which is acidic and polar, with histidine, which is basic and polar, at codon 327 of the STK11 protein (p.Asp327His). This variant is not present in population databases (gnomAD no frequency). This variant has not been reported in the literature in individuals affected with STK11-related conditions. Advanced modeling of protein sequence and biophysical properties (such as structural, functional, and spatial information, amino acid conservation, physicochemical variation, residue mobility, and thermodynamic stability) performed at Invitae indicates that this missense variant is not expected to disrupt STK11 protein function. In summary, the available evidence is currently insufficient to determine the role of this variant in disease. Therefore, it has been classified as a Variant of Uncertain Significance.

NM_000455.5(STK11):c.979G>C (p.Asp327His)

Gene: STK11 (serine/threonine kinase 11; plus strand). Cytogenetic location: 19p13.3.
Variant type: single nucleotide variant.
Coding change: c.979G>C on transcript NM_000455.5 (MANE Select); coding-DNA position 979, G replaced by C.
Protein change: p.Asp327His; replaces aspartic acid 327 with histidine.
Molecular consequence: missense variant. On other transcripts: non-coding transcript variant (1).
Genome position (GRCh38, 1-based): chr19:1,223,043, G>C. VCF-style: chr19-1223043-G-C. GRCh37 (hg19) VCF-style: chr19-1223042-G-C.
Other names: c.979G>C, p.Asp327His (NM_001407255.1); short protein forms D327H.
Identifiers: ClinVar variation 2818066 (VCV002818066.3), dbSNP rs1568712119, ClinGen allele CA402951600.